The following is an entry in ClinVar:

ClinVar aggregate classification (germline): Uncertain significance (1 of 4 stars; one submission).

Conditions:
Cornelia de Lange syndrome 1 (CDLS1). Also called: NIPBL-Related Cornelia de Lange Syndrome; Brachmann de Lange syndrome; TYPUS DEGENERATIVUS AMSTELODAMENSIS. Identifiers: Orphanet 199, MedGen C4551851, MONDO:0007387, OMIM 122470.

Submission:

3billion
Classification: Uncertain significance for Cornelia de Lange syndrome 1. Last evaluated: 2025-05-22. Review status: criteria provided, single submitter. Criteria: ACMG Guidelines, 2015. Collection method: clinical testing. Allele origin: germline. Affected: yes.
Comment: The variant is not observed in the gnomAD v4.1.0 dataset. Predicted Consequence/Location: Missense variant In silico tool predictions suggest damaging effect of the variant on gene or gene product [REVEL: 0.65 (>=0.6, sensitivity 0.68 and specificity 0.92)]. Therefore, this variant is classified as VUS according to the recommendation of ACMG/AMP guideline.

NM_133433.4(NIPBL):c.593A>G (p.His198Arg)

Gene: NIPBL (NIPBL cohesin loading factor; plus strand). Cytogenetic location: 5p13.2.
Variant type: single nucleotide variant.
Coding change: c.593A>G on transcript NM_133433.4 (MANE Select); coding-DNA position 593, A replaced by G.
Protein change: p.His198Arg; replaces histidine 198 with arginine.
Molecular consequence: missense variant.
Genome position (GRCh38, 1-based): chr5:36,962,257, A>G. VCF-style: chr5-36962257-A-G. GRCh37 (hg19) VCF-style: chr5-36962359-A-G.
Other names: c.593A>G, p.His198Arg (NM_001438586.1, NM_015384.5); short protein forms H198R.
Identifiers: ClinVar variation 4855975 (VCV004855975.1).
Genomic context (GRCh38, chr5:36,962,257, plus strand): 5'-ACGCCCCACAAAGCCCTGCAGGATACATGCCATATTCCCATCCTTCAAGTTACACAACAC[A>G]TCCACAGATGCAACAAGGTAAGAAAGTTGTTTGTAACTTCACTGGGAATGTCTAAGTGCT-3'
Protein context (NP_597677.2, residues 188-208): PYSHPSSYTT[His198Arg]PQMQQASVSS